The following is an entry in ClinVar:

ClinVar aggregate classification (germline): Uncertain significance (1 of 4 stars; one submission).

Conditions:
AGO1-related disorder. Also called: AGO1-related condition.

Submission:

PreventionGenetics, part of Exact Sciences
Classification: Uncertain significance for AGO1-related condition. Last evaluated: 2025-07-10. Review status: criteria provided, single submitter. Criteria: ACMG Guidelines, 2015. Collection method: clinical testing. Allele origin: germline.
Comment: The AGO1 c.334G>T variant is predicted to result in the amino acid substitution p.Asp112Tyr. To our knowledge, this variant has not been reported in the literature or in a large population database (gnomAD), indicating this variant is rare. At this time, the clinical significance of this variant is uncertain due to the absence of conclusive functional and genetic evidence.

NM_012199.5(AGO1):c.334G>T (p.Asp112Tyr)

Gene: AGO1 (argonaute RISC component 1; plus strand). Cytogenetic location: 1p34.3.
Variant type: single nucleotide variant.
Coding change: c.334G>T on transcript NM_012199.5 (MANE Select); coding-DNA position 334, G replaced by T.
Protein change: p.Asp112Tyr; replaces aspartic acid 112 with tyrosine.
Molecular consequence: missense variant.
Genome position (GRCh38, 1-based): chr1:35,893,100, G>T. VCF-style: chr1-35893100-G-T. GRCh37 (hg19) VCF-style: chr1-36358701-G-T.
Other names: c.334G>T, p.Asp112Tyr (NM_001317122.2); c.109G>T, p.Asp37Tyr (NM_001317123.2); short protein forms D112Y, D37Y.
Identifiers: ClinVar variation 5000095 (VCV005000095.1).